The following is an entry in ClinVar:

NM_000245.4(MET):c.2975C>T (p.Thr992Ile)

Gene: MET (MET proto-oncogene, receptor tyrosine kinase; plus strand). Cytogenetic location: 7q31.2.
Variant type: single nucleotide variant.
Coding change: c.2975C>T on transcript NM_000245.4 (MANE Select); coding-DNA position 2975, C replaced by T.
Protein change: p.Thr992Ile; replaces threonine 992 with isoleucine.
Molecular consequence: missense variant.
Genome position (GRCh38, 1-based): chr7:116,771,936, C>T. VCF-style: chr7-116771936-C-T. GRCh37 (hg19) VCF-style: chr7-116411990-C-T.
Other names: c.3029C>T, p.Thr1010Ile (NM_001127500.3); c.1685C>T, p.Thr562Ile (NM_001324402.2); short protein forms T1010I, T992I, T562I.
Identifiers: ClinVar variation 41624 (VCV000041624.94), dbSNP rs56391007, ClinGen allele CA160417.
Genomic context (GRCh38, chr7:116,771,936, plus strand): 5'-ATGCAAGAGTACACACTCCTCATTTGGATAGGCTTGTAAGTGCCCGAAGTGTAAGCCCAA[C>T]TACAGAAATGGTTTCAAATGAATCTGTAGACTACCGAGCTACTTTTCCAGAAGGTATATT-3'
Protein context (NP_000236.2, residues 982-1002): RLVSARSVSP[Thr992Ile]TEMVSNESVD

ClinVar aggregate classification (germline): Conflicting classifications of pathogenicity. Review status: criteria provided, conflicting classifications (1 of 4 stars). 30 submissions from 30 submitters: Uncertain significance (3); Benign (17); Likely benign (2). 8 of the submissions do not count toward it. Last evaluated 2026-09-01.

Conditions:
Autosomal recessive nonsyndromic hearing loss 97. Also called: Deafness, autosomal recessive 97. Identifiers: Orphanet 90636, MedGen C4084709, MONDO:0014739, OMIM 616705.
Hepatocellular carcinoma (HCC). Also called: Primary carcinoma of liver; HEPATOMA; LIVER CELL CARCINOMA. Identifiers: Orphanet 88673, MedGen C2239176, MONDO:0007256, OMIM 114550, HP:0001402.
Papillary renal cell carcinoma type 1 (RCCP1). Also called: RENAL CELL CARCINOMA, PAPILLARY, 1, SOMATIC; Renal adenocarcinoma; Renal cell carcinoma 1; Renal cell carcinoma, somatic. Identifiers: Orphanet 47044, MedGen C1336839, OMIM 605074, HP:0011797.
Osteofibrous dysplasia (OSFD). Also called: Tibia, bowing of, with pseudarthrosis and pectus excavatum. Identifiers: Orphanet 488265, MedGen C4085248, MONDO:0011806, OMIM 607278.
Arthrogryposis, distal, IIa 11. Also called: Arthrogryposis, distal, type 11. Identifiers: MedGen C5774205, MONDO:0031045, OMIM 620019.
MET-related disorder. Also called: MET-related condition.
Renal cell carcinoma. Identifiers: Orphanet 217071, MedGen C0007134, MeSH D002292, MONDO:0005086, HP:0005584.
Hereditary cancer-predisposing syndrome. Also called: Neoplastic Syndromes, Hereditary; Tumor predisposition; Hereditary Cancer Syndrome; Hereditary neoplastic syndrome. Identifiers: Orphanet 140162, MedGen C0027672, MeSH D009386, MONDO:0015356.
Classic Hodgkin lymphoma (CHL). Also called: Hodgkin lymphoma. Identifiers: Orphanet 391, MedGen C0019829, MONDO:0009348, OMIM 236000, HP:0012189.
Congenital diaphragmatic hernia. Also called: DIH; Congenital diaphragmatic defect; Unilateral agenesis of diaphragm; Agenesis of hemidiaphragm. Identifiers: Orphanet 2140, MedGen C0235833, MeSH D065630, MONDO:0005711, HP:0000776.

Allele frequency attached by ClinVar (database versions not stated): 1000 Genomes Project 0.00339; gnomAD 0.00874 and 0.00911; gnomAD exomes 0.01104 and 0.00789; TOPMed 0.00690; 1000 Genomes Project 30x 0.00297; ExAC 0.00793; ESP Exome Variant Server 0.00890.
gnomAD v4.1: 17,366 of 1,613,864 alleles (1.1%); highest among the groups gnomAD compares: Non-Finnish European, 1.3%; 125 homozygotes.

Submissions 1 to 18 of 30:

CeGaT Center for Human Genetics Tuebingen
Classification: Benign. Last evaluated: 2026-09-01. Review status: criteria provided, single submitter. Criteria: CeGaT Center For Human Genetics Tuebingen Variant Classification Criteria Version 2. Collection method: clinical testing. Allele origin: germline. Affected: yes. Observed: 137 variant alleles.
Comment: MET: BS1, BS2

Labcorp Genetics (formerly Invitae), Labcorp
Classification: Benign for Renal cell carcinoma. Last evaluated: 2026-02-04. Review status: criteria provided, single submitter. Criteria: Invitae Variant Classification Sherloc (09022015). Collection method: clinical testing. Allele origin: germline.

ARUP Laboratories, Molecular Genetics and Genomics, ARUP Laboratories
Classification: Benign. Last evaluated: 2025-04-08. Review status: criteria provided, single submitter. Criteria: ARUP Molecular Germline Variant Investigation Process 2024. Collection method: clinical testing. Allele origin: germline.

Center for Genomic Medicine, Rigshospitalet, Copenhagen University Hospital
Classification: Benign. Last evaluated: 2025-03-04. Review status: criteria provided, single submitter. Criteria: ACMG Guidelines, 2015. Collection method: clinical testing. Allele origin: germline.

Blueprint Genetics
Classification: Likely benign. Last evaluated: 2024-11-26. Review status: criteria provided, single submitter. Criteria: ACMG Guidelines, 2015. Collection method: clinical testing. Allele origin: germline.

Myriad Genetics, Inc.
Classification: Likely benign for Papillary renal cell carcinoma type 1. Last evaluated: 2024-11-12. Review status: criteria provided, single submitter. Criteria: Myriad Autosomal Dominant, Autosomal Recessive and X-Linked Classification Criteria (2023). Collection method: clinical testing. Allele origin: unknown.
Comment: This variant is considered likely benign. This variant has been observed at a population frequency that is significantly greater than expected given the associated disease prevalence and penetrance.

Mayo Clinic Laboratories, Mayo Clinic
Classification: Benign. Last evaluated: 2024-08-27. Review status: criteria provided, single submitter. Criteria: ACMG Guidelines, 2015. Collection method: clinical testing. Allele origin: germline. Observed: 8 variant alleles.
Comment: BS1, BS2

Department of Pathology and Laboratory Medicine, Sinai Health System
Classification: Benign for Hepatocellular carcinoma; Papillary renal cell carcinoma type 1; Osteofibrous dysplasia; Autosomal recessive nonsyndromic hearing loss 97; Arthrogryposis, distal, IIa 11. Last evaluated: 2024-06-06. Review status: criteria provided, single submitter. Criteria: ACMG Guidelines, 2015. Collection method: clinical testing. Allele origin: germline. Affected: yes.

Pathology Department, Puerta del Mar University Hospital
Classification: Uncertain significance for Classic Hodgkin lymphoma. Last evaluated: 2021-10-01. Review status: criteria provided, single submitter. Criteria: PMID: 32934698. Collection method: research. Allele origin: somatic. Affected: yes.

Genetic Services Laboratory, University of Chicago
Classification: Benign. Last evaluated: 2021-03-29. Review status: criteria provided, single submitter. Criteria: ACMG Guidelines, 2015. Collection method: clinical testing. Allele origin: germline. Affected: no.

St. Jude Molecular Pathology, St. Jude Children's Research Hospital
Classification: Benign for Papillary renal cell carcinoma type 1. Last evaluated: 2021-03-17. Review status: criteria provided, single submitter. Criteria: St. Jude Assertion Criteria 2020. Collection method: clinical testing. Allele origin: germline.
Comment: The MET c.3029C>T (p.Thr1010Ile) missense change is present at a maximum non-founder subpopulation frequency of 1.2% in gnomAD v2.1.1. This population frequency is higher than expected for a pathogenic variant in MET causing predisposition to hereditary papillary renal cell carcinoma (BS1). This variant has also been reported as homozygous 13 times in the gnomAD v2.1.1 database which suggests that this is a benign polymorphism (BS2). In silico tools are not in agreement about the effect on the gene or protein function, and functional studies have reported conflicting effects in cell line models (PMIDs: 14559814, 25605252). This variant has been identified in individuals with colorectal cancer (PMID: 21970370), metastatic breast cancer (PMID: 25605252), and those without a personal or family history of hereditary papillary renal cell carcinoma (internal data). In summary, this variant meets criteria to be classified as benign based on the ACMG/AMP criteria: BS1, BS2.

Sema4
Classification: Benign for Hereditary cancer-predisposing syndrome. Last evaluated: 2020-07-20. Review status: criteria provided, single submitter. Criteria: Sema4 Curation Guidelines. Collection method: curation. Allele origin: germline.

Athena Diagnostics
Classification: Benign. Last evaluated: 2019-07-18. Review status: criteria provided, single submitter. Criteria: Athena Diagnostics Criteria. Collection method: clinical testing. Allele origin: germline.

Quest Diagnostics Nichols Institute San Juan Capistrano
Classification: Benign. Last evaluated: 2019-07-18. Review status: criteria provided, single submitter. Criteria: Quest Diagnostics criteria. Collection method: clinical testing. Allele origin: unknown.

Mendelics
Classification: Benign for Renal cell carcinoma, papillary, 1. Last evaluated: 2018-07-02. Review status: criteria provided, single submitter. Criteria: Mendelics Assertion Criteria 2017. Collection method: clinical testing. Allele origin: unknown.

Eurofins Ntd Llc (ga)
Classification: Benign. Last evaluated: 2018-03-26. Review status: criteria provided, single submitter. Criteria: EGL ClinVar v180209 classification definitions. Collection method: clinical testing. Allele origin: germline. Observed: 6 variant alleles, 6 heterozygotes.

Illumina Laboratory Services, Illumina
Classification: Benign for Papillary renal cell carcinoma type 1. Last evaluated: 2018-03-06. Review status: criteria provided, single submitter. Criteria: ICSL Variant Classification Criteria 13 December 2019. Collection method: clinical testing. Allele origin: germline.
Comment: This variant was observed in the ICSL laboratory as part of a predisposition screen in an ostensibly healthy population. It had not been previously curated by ICSL or reported in the Human Gene Mutation Database (HGMD: prior to June 1st, 2018), and was therefore a candidate for classification through an automated scoring system. Utilizing variant allele frequency, disease prevalence and penetrance estimates, and inheritance mode, an automated score was calculated to assess if this variant is too frequent to cause the disease. Based on the score and internal cut-off values, a variant classified as benign is not then subjected to further curation. The score for this variant resulted in a classification of benign for this disease.

GeneDx
Classification: Benign. Last evaluated: 2017-03-16. Review status: criteria provided, single submitter. Criteria: GeneDx Variant Classification (06012015). Collection method: clinical testing. Allele origin: germline. Affected: yes.
Comment: This variant is considered likely benign or benign based on one or more of the following criteria: it is a conservative change, it occurs at a poorly conserved position in the protein, it is predicted to be benign by multiple in silico algorithms, and/or has population frequency not consistent with disease.